The following is an entry in ClinVar:

ClinVar aggregate classification (germline): Likely pathogenic. Review status: criteria provided, multiple submitters, no conflicts (2 of 4 stars). 2 submissions from 2 submitters: Likely pathogenic (2). Last evaluated 2026-08-05.

Conditions:
Autosomal dominant osteopetrosis 2. Also called: Osteopetroses; Marble bones; Albers-Schonberg disease; Osteosclerosis fragilis; Albers-Schönberg osteopetrosis; Albers-Schoenberg disease. Identifiers: Orphanet 53, MedGen C3179239, MONDO:0008156, OMIM 166600.
Skeletal dysplasia. Also called: Primary bone dysplasia. Identifiers: Orphanet 364526, MedGen C0410528, MONDO:0018230, HP:0002652.

gnomAD v4.1: 1 of 1,613,134 alleles (0.000062%); highest among the groups gnomAD compares: Non-Finnish European, 0.000085%; no homozygotes.

Submissions (2):

Institute of Human Genetics, University of Leipzig Medical Center
Classification: Likely pathogenic for Autosomal dominant osteopetrosis 2. Last evaluated: 2026-08-05. Review status: criteria provided, single submitter. Criteria: ACMG Guidelines, 2015. Collection method: clinical testing. Allele origin: unknown. Inheritance: Autosomal dominant inheritance. Affected: yes.
Comment: Criteria applied: PS1_MOD,PM1_SUP,PM2_SUP,PP3,PP4

Genetics Laboratory, Great Ormond Street Hospital NHS Foundation Trust, North Thames Genomic Laboratory Hub
Classification: Likely pathogenic for Skeletal dysplasia. Last evaluated: 2026-07-09. Review status: criteria provided, single submitter. Criteria: ACGS Best Practice Guidelines for Variant Classification in Rare Disease 2024 v1.2. Collection method: clinical testing. Allele origin: germline. Affected: yes.
Comment: PM2_moderate, PP3_supporting, PS1_strong

NM_001287.6(CLCN7):c.643G>C (p.Gly215Arg)

Gene: CLCN7 (Cl-/H+ antiporter 7; minus strand). Cytogenetic location: 16p13.3.
Variant type: single nucleotide variant.
Coding change: c.643G>C on transcript NM_001287.6 (MANE Select); coding-DNA position 643, G replaced by C.
Protein change: p.Gly215Arg; replaces glycine 215 with arginine.
Molecular consequence: missense variant.
Genome position (GRCh38, 1-based): chr16:1,459,139, C>G on the plus strand (G>C on the coding strand, the complement: CLCN7 is on the minus strand). VCF-style: chr16-1459139-C-G. GRCh37 (hg19) VCF-style: chr16-1509140-C-G.
Other names: c.571G>C, p.Gly191Arg (NM_001114331.3); short protein forms G191R, G215R.
Identifiers: ClinVar variation 4887999 (VCV004887999.1).
Genomic context (GRCh38, chr16:1,459,139, plus strand): 5'-TGCCCAGCCAGGGCCACCGCACCCTCACCTTGAGCCGCACCACGTGGGGGATCTTCACCC[C>G]GTTGAGGAAGCACTTGATCTGGGGGATTCCGCTGCCAGCAGCCACCGGCTGAAAGAGGGG-3'
Protein context (NP_001278.1, residues 205-225): GIPQIKCFLN[Gly215Arg]VKIPHVVRLK